The following is an entry in ClinVar:

NM_006073.4(TRDN):c.1630G>A (p.Asp544Asn)

Gene: TRDN (triadin; minus strand). Cytogenetic location: 6q22.31.
Variant type: single nucleotide variant.
Coding change: c.1630G>A on transcript NM_006073.4 (MANE Select); coding-DNA position 1630, G replaced by A.
Protein change: p.Asp544Asn; replaces aspartic acid 544 with asparagine.
Molecular consequence: missense variant.
Genome position (GRCh38, 1-based): chr6:123,273,006, C>T on the plus strand (G>A on the coding strand, the complement: TRDN is on the minus strand). VCF-style: chr6-123273006-C-T. GRCh37 (hg19) VCF-style: chr6-123594151-C-T.
Other names: c.1630G>A (NM_006073.2); short protein forms D544N.
Identifiers: ClinVar variation 1330423 (VCV001330423.12), dbSNP rs1777254669, ClinGen allele CA365564974.
Genomic context (GRCh38, chr6:123,273,006, plus strand): 5'-ATACCACCTGCAAAATACCTGGTTTACCATGAGAAACAGTCTTTTCTGGTTTCACTATGT[C>T]TTGTTCTGAAAATAATAAAAAGAAAATCTTTTTTAGGTATTTAGAAGCTGGGAAAATAGC-3'
Protein context (NP_006064.2, residues 534-554): ISEKVQIHKQ[Asp544Asn]IVKPEKTVSH

ClinVar aggregate classification (germline): Uncertain significance. Review status: criteria provided, multiple submitters, no conflicts (2 of 4 stars). 3 submissions from 3 submitters: Uncertain significance (3). Last evaluated 2026-05-28.

Conditions:
Cardiovascular phenotype. Identifiers: MedGen CN230736.
Catecholaminergic polymorphic ventricular tachycardia 5 (CARDAR). Also called: Ventricular tachycardia, catecholaminergic polymorphic, 5, with or without muscle weakness; CARDIAC ARRHYTHMIA SYNDROME, WITH OR WITHOUT SKELETAL MUSCLE WEAKNESS. Identifiers: Orphanet 3286, MedGen C3809536, MONDO:0014191, OMIM 615441.
Catecholaminergic polymorphic ventricular tachycardia 1. Also called: RYR2-Related Catecholaminergic Polymorphic Ventricular Tachycardia; VENTRICULAR TACHYCARDIA, CATECHOLAMINERGIC POLYMORPHIC, 1, WITH OR WITHOUT ATRIAL DYSFUNCTION AND/OR DILATED CARDIOMYOPATHY; VENTRICULAR TACHYCARDIA, STRESS-INDUCED POLYMORPHIC 1. Identifiers: Orphanet 3286, MedGen C1631597, MONDO:0011484, OMIM 604772.

Allele frequency attached by ClinVar (database versions not stated): TOPMed below 0.00001.
gnomAD v4.1: 11 of 1,507,638 alleles (0.00073%); highest among the groups gnomAD compares: Non-Finnish European, 0.00097%; no homozygotes.

Submissions (3):

Ambry Genetics
Classification: Uncertain significance for Cardiovascular phenotype. Last evaluated: 2026-05-28. Review status: criteria provided, single submitter. Criteria: Ambry Variant Classification Scheme 2023. Collection method: clinical testing. Allele origin: germline.
Comment: The p.D544N variant (also known as c.1630G>A), located in coding exon 29 of the TRDN gene, results from a G to A substitution at nucleotide position 1630. The aspartic acid at codon 544 is replaced by asparagine, an amino acid with highly similar properties. This amino acid position is conserved. In addition, this alteration is predicted to be tolerated by in silico analysis. Based on the available evidence, the clinical significance of this variant remains unclear.

Labcorp Genetics (formerly Invitae), Labcorp
Classification: Uncertain significance for Catecholaminergic polymorphic ventricular tachycardia 1. Last evaluated: 2022-08-09. Review status: criteria provided, single submitter. Criteria: Invitae Variant Classification Sherloc (09022015). Collection method: clinical testing. Allele origin: germline.
Comment: ClinVar contains an entry for this variant (Variation ID: 1330423). In summary, the available evidence is currently insufficient to determine the role of this variant in disease. Therefore, it has been classified as a Variant of Uncertain Significance. Algorithms developed to predict the effect of sequence changes on RNA splicing suggest that this variant may disrupt the consensus splice site. Algorithms developed to predict the effect of missense changes on protein structure and function output the following: SIFT: "Tolerated"; PolyPhen-2: "Benign"; Align-GVGD: "Class C0". The asparagine amino acid residue is found in multiple mammalian species, which suggests that this missense change does not adversely affect protein function. This variant has not been reported in the literature in individuals affected with TRDN-related conditions. This variant is not present in population databases (gnomAD no frequency). This sequence change replaces aspartic acid, which is acidic and polar, with asparagine, which is neutral and polar, at codon 544 of the TRDN protein (p.Asp544Asn).

ARUP Laboratories, Molecular Genetics and Genomics, ARUP Laboratories
Classification: Uncertain significance for Catecholaminergic polymorphic ventricular tachycardia 5. Last evaluated: 2021-01-20. Review status: criteria provided, single submitter. Criteria: ARUP Molecular Germline Variant Investigation Process 2021. Collection method: clinical testing. Allele origin: germline.
Comment: The TRDN c.1630G>A; p.Asp544Asn variant, to our knowledge, is not reported in the medical literature or gene specific databases. This variant is also absent from general population databases (Exome Variant Server, Genome Aggregation Database), indicating it is not a common polymorphism. The aspartic acid at codon 544 is weakly conserved, and computational analyses predict that this variant is neutral (REVEL: 0.053). Due to limited information, the clinical significance of the p.Asp544Asn variant is uncertain at this time.